The following is an entry in ClinVar:

NM_007194.4(CHEK2):c.1260-1G>A

Gene: CHEK2 (checkpoint kinase 2; minus strand). Cytogenetic location: 22q12.1.
Variant type: single nucleotide variant.
Coding change: c.1260-1G>A on transcript NM_007194.4 (MANE Select); the canonical splice acceptor site of the intron before coding-DNA position 1260, G replaced by A.
Molecular consequence: splice acceptor variant.
Genome position (GRCh38, 1-based): chr22:28,695,243, C>T on the plus strand (G>A on the coding strand, the complement: CHEK2 is on the minus strand). VCF-style: chr22-28695243-C-T. GRCh37 (hg19) VCF-style: chr22-29091231-C-T.
Other names: c.597-1G>A (NM_001437942.1, NM_001257387.3); c.1059-1G>A (NM_001349956.3); c.1173-1G>A (NM_145862.3); c.1266-1G>A (NM_001438295.1); c.1353-1G>A (NM_001438293.1); c.1302-1G>A (NM_001438294.1); c.1389-1G>A (NM_001005735.3).
Identifiers: ClinVar variation 185068 (VCV000185068.20), dbSNP rs786201906, ClinGen allele CA190921.
Genomic context (GRCh38, chr22:28,695,243, plus strand): 5'-ATCTGATCCTTCAGTGACACTTGAGTCCTATGCTCAGAGAAAGGTGGATACCCACTAAGG[C>T]TTAATATTGGTAGAGAGAGAAAGGAAAAGAAATCAAGTGGCATTCTCAGTGGCATTCAGA-3'

ClinVar aggregate classification (germline): Conflicting classifications of pathogenicity. Review status: criteria provided, conflicting classifications (1 of 4 stars). 6 submissions from 6 submitters: Likely pathogenic (1); Uncertain significance (5). Last evaluated 2025-06-06.

Conditions:
Hereditary cancer-predisposing syndrome. Also called: Hereditary neoplastic syndrome; Neoplastic Syndromes, Hereditary; Tumor predisposition; Hereditary Cancer Syndrome. Identifiers: Orphanet 140162, MedGen C0027672, MeSH D009386, MONDO:0015356.
Hereditary breast ovarian cancer syndrome. Also called: Hereditary breast and ovarian cancer syndrome (HBOC); Breast and ovarian cancer; Hereditary breast and/or ovarian cancer syndrome; BRCA1- and BRCA2-Associated Hereditary Breast and Ovarian Cancer; Hereditary breast and ovarian cancer syndrome; Hereditary breast and ovarian cancer. Identifiers: Orphanet 145, MedGen C0677776, MeSH D061325, MONDO:0003582. Disease mechanism: loss of function.
CHEK2-related cancer predisposition (TPDS4). Also called: TUMOR PREDISPOSITION SYNDROME 4; CANCER PREDISPOSITION SYNDROME, CHEK2-RELATED; CHEK2-related cancer susceptibility. Identifiers: Orphanet 524, MedGen C5882668, MONDO:0700271, OMIM 609265.
Familial cancer of breast. Also called: BREAST CANCER, FAMILIAL; Hereditary breast cancer; hereditary breast carcinoma. Identifiers: Orphanet 227535, MedGen C0346153, MONDO:0016419, OMIM 114480. Disease mechanism: loss of function.

Allele frequency attached by ClinVar (database versions not stated): gnomAD 0.00001.

Submissions (6):

Ambry Genetics
Classification: Uncertain significance for Hereditary cancer-predisposing syndrome. Last evaluated: 2025-06-06. Review status: criteria provided, single submitter. Criteria: Ambry Variant Classification Scheme 2023. Collection method: clinical testing. Allele origin: germline.
Comment: The c.1260-1G>A intronic variant results from a G to A substitution one nucleotide upstream from coding exon 11 of the CHEK2 gene. Alterations that disrupt the canonical splice site are expected to cause aberrant splicing, resulting in an abnormal protein or a transcript that is subject to nonsense-mediated mRNA decay. This nucleotide position is highly conserved in available vertebrate species. In silico splice site analysis predicts that this alteration will weaken the native splice acceptor site and will result in the creation or strengthening of a novel splice acceptor site. RNA studies have demonstrated that this alteration primarily results in a transcript predicted to lead to a protein with an in-frame deletion of two amino acids; however, the exact functional impact of the deleted amino acids is unknown at this time (Ambry internal data). Since supporting evidence is limited at this time, the clinical significance of this alteration remains unclear.

German Consortium for Hereditary Breast and Ovarian Cancer, University Hospital Cologne
Classification: Uncertain significance for Hereditary breast ovarian cancer syndrome. Last evaluated: 2025-04-07. Review status: criteria provided, single submitter. Criteria: ACMG Guidelines, 2015. Collection method: curation. Allele origin: germline.
Comment: According to the ACMG SVI adaptation criteria we chose these criteria: PVS1 (medium pathogenic): PVS1 decision tree as per Tayoun (2018, PMID: 30192042): GT-AG splice sites -->Use of a cryptic splice site preserves reading frame (Splice AI predicts canonical AL & AG at -7bp) --> LoF variants in this exon are not frequent in the general population and exon is present in biologically-relevant transcript(s) --> Variant removes <10% of protein --> Moderate, PM2 (supporting pathogenic): ansent from gnomAD v2; 1x het in gnomAD v3/4

Center for Genomic Medicine, Rigshospitalet, Copenhagen University Hospital
Classification: Uncertain significance. Last evaluated: 2025-03-04. Review status: criteria provided, single submitter. Criteria: ACMG Guidelines, 2015. Collection method: clinical testing. Allele origin: germline.

Labcorp Genetics (formerly Invitae), Labcorp
Classification: Uncertain significance for Familial cancer of breast. Last evaluated: 2025-02-04. Review status: criteria provided, single submitter. Criteria: Invitae Variant Classification Sherloc (09022015). Collection method: clinical testing. Allele origin: germline.
Comment: This sequence change affects an acceptor splice site in intron 11 of the CHEK2 gene. RNA analysis indicates that disruption of this splice site induces altered splicing and likely results in the loss of 2 amino acid residue(s), but is expected to preserve the integrity of the reading-frame. This variant is not present in population databases (gnomAD no frequency). Disruption of this splice site has been observed in individual(s) with esophageal adenocarcinoma (PMID: 37507074). ClinVar contains an entry for this variant (Variation ID: 185068). Studies have shown that disruption of this splice site results in the activation of a cryptic splice site in exon 12 (internal data). RNA analysis provides insufficient evidence to determine the effect of this variant on CHEK2 splicing (internal data). In summary, the available evidence is currently insufficient to determine the role of this variant in disease. Therefore, it has been classified as a Variant of Uncertain Significance.

Color Diagnostics, LLC DBA Color Health
Classification: Uncertain significance for Hereditary cancer-predisposing syndrome. Last evaluated: 2023-09-26. Review status: criteria provided, single submitter. Criteria: ACMG Guidelines, 2015. Collection method: clinical testing. Allele origin: germline.
Comment: This variant causes a G>A nucleotide substitution at the -1 position of intron 11 of the CHEK2 protein. Splice site prediction tools predict the weakening of the canonical acceptor site and strengthening of an in-frame cryptic acceptor, resulting in the loss of two amino acids. To our knowledge, RNA studies have not been reported for this variant. This variant has been reported in an individual affected with esophageal adenocarcinoma (PMID: 37507074). This variant has not been identified in the general population by the Genome Aggregation Database (gnomAD). The available evidence is insufficient to determine the role of this variant in disease conclusively. Therefore, this variant is classified as a Variant of Uncertain Significance.

Illumina Laboratory Services, Illumina
Classification: Likely pathogenic for CHEK2-Related Cancer Susceptibility. Last evaluated: 2020-05-22. Review status: criteria provided, single submitter. Criteria: ICSLVariantClassificationCriteria RUGD 01 April 2020. Collection method: clinical testing. Allele origin: unknown.
Comment: The CHEK2 c.1260-1G>A variant occurs in a canonical splice site (acceptor) and is therefore predicted to disrupt or distort the normal gene product. A literature search was performed for the gene and cDNA change. No publications were identified through this search. This variant is not reported in a region of good sequencing coverage in the Genome Aggregation Database, indicating it is rare. Based on the variant's rarity and the known significance of loss of function variants in the CHEK2 gene, the c.1260-1G>A variant is classified as likely pathogenic for CHEK2-related cancer susceptibility.

Literature cited by the submitters: PubMed 37507074 (cited by Labcorp Genetics (formerly Invitae), Labcorp and Color Diagnostics, LLC DBA Color Health).